The following is an entry in ClinVar:

ClinVar aggregate classification (germline): Pathogenic. Review status: criteria provided, multiple submitters, no conflicts (2 of 4 stars). 2 submissions from 2 submitters: Pathogenic (2). Last evaluated 2024-05-08.

Conditions:
Isolated microphthalmia 2. Identifiers: Orphanet 2542, MedGen C1864720, MONDO:0012409, OMIM 610093.
Microphthalmia, isolated, with coloboma 3 (MCOPCB3). Also called: MICROPHTHALMIA/COLOBOMA 3; MICROPHTHALMIA, COLOBOMATOUS, 3. Identifiers: Orphanet 98938, MedGen C1864721, MONDO:0012408, OMIM 610092.

Submissions (2):

Myriad Genetics, Inc.
Classification: Pathogenic for Microphthalmia, isolated, with coloboma 3. Last evaluated: 2024-05-08. Review status: criteria provided, single submitter. Criteria: Myriad Autosomal Dominant, Autosomal Recessive and X-Linked Classification Criteria (2023). Collection method: clinical testing. Allele origin: unknown.
Comment: NM_182894.2(VSX2):c.397C>T(R133*) is expected to be pathogenic in the context of microphthalmia, anophthalmia, and coloboma, VSX2-related. This variant is predicted to lead to an abnormal or absent protein product due to the creation of a premature termination codon in VSX2, a gene where loss-of-function variants are known to be pathogenic. Please note: this variant was assessed in the context of healthy population screening.

Labcorp Genetics (formerly Invitae), Labcorp
Classification: Pathogenic for Isolated microphthalmia 2. Last evaluated: 2022-06-04. Review status: criteria provided, single submitter. Criteria: Invitae Variant Classification Sherloc (09022015). Collection method: clinical testing. Allele origin: germline.
Comment: For these reasons, this variant has been classified as Pathogenic. ClinVar contains an entry for this variant (Variation ID: 933553). This variant has not been reported in the literature in individuals affected with VSX2-related conditions. This variant is not present in population databases (gnomAD no frequency). This sequence change creates a premature translational stop signal (p.Arg133*) in the VSX2 gene. It is expected to result in an absent or disrupted protein product. Loss-of-function variants in VSX2 are known to be pathogenic (PMID: 20414678).

Literature cited by the submitters: PubMed 20414678 (cited by Labcorp Genetics (formerly Invitae), Labcorp).

NM_182894.3(VSX2):c.397C>T (p.Arg133Ter)

Gene: VSX2 (visual system homeobox 2; plus strand). Cytogenetic location: 14q24.3.
Variant type: single nucleotide variant.
Coding change: c.397C>T on transcript NM_182894.3 (MANE Select); coding-DNA position 397, C replaced by T.
Protein change: p.Arg133Ter; replaces arginine 133 with a stop codon.
Molecular consequence: nonsense.
Genome position (GRCh38, 1-based): chr14:74,241,208, C>T. VCF-style: chr14-74241208-C-T. GRCh37 (hg19) VCF-style: chr14-74707911-C-T.
Other names: short protein forms R133*.
Identifiers: ClinVar variation 933553 (VCV000933553.8), dbSNP rs774922468, ClinGen allele CA390361380.